The following is an entry in ClinVar:

ClinVar aggregate classification (germline): Uncertain significance (1 of 4 stars; one submission).

Conditions:
Holoprosencephaly 9 (HPE9). Also called: PITUITARY ANOMALIES WITH HOLOPROSENCEPHALY-LIKE FEATURES; HOLOPROSENCEPHALY WITH MICROPHTHALMIA AND FIRST BRANCHIAL ARCH ANOMALIES. Identifiers: Orphanet 2162, MedGen C1835819, MONDO:0012563, OMIM 610829.
Postaxial polydactyly-anterior pituitary anomalies-facial dysmorphism syndrome. Also called: Culler-Jones syndrome. Identifiers: Orphanet 420584, MedGen C4014479, MONDO:0014369, OMIM 615849.

Submission:

Labcorp Genetics (formerly Invitae), Labcorp
Classification: Uncertain significance for Postaxial polydactyly-anterior pituitary anomalies-facial dysmorphism syndrome; Holoprosencephaly 9. Last evaluated: 2023-10-05. Review status: criteria provided, single submitter. Criteria: Invitae Variant Classification Sherloc (09022015). Collection method: clinical testing. Allele origin: germline.
Comment: This sequence change replaces aspartic acid, which is acidic and polar, with glutamic acid, which is acidic and polar, at codon 65 of the GLI2 protein (p.Asp65Glu). This variant is not present in population databases (gnomAD no frequency). This variant has not been reported in the literature in individuals affected with GLI2-related conditions. An algorithm developed to predict the effect of missense changes on protein structure and function (PolyPhen-2) suggests that this variant is likely to be disruptive. In summary, the available evidence is currently insufficient to determine the role of this variant in disease. Therefore, it has been classified as a Variant of Uncertain Significance.

NM_001374353.1(GLI2):c.195C>G (p.Asp65Glu)

Gene: GLI2 (GLI family zinc finger 2; plus strand). Cytogenetic location: 2q14.2.
Variant type: single nucleotide variant.
Coding change: c.195C>G on transcript NM_001374353.1 (MANE Select); coding-DNA position 195, C replaced by G.
Protein change: p.Asp65Glu; replaces aspartic acid 65 with glutamic acid.
Molecular consequence: missense variant. On other transcripts: intron variant (1).
Genome position (GRCh38, 1-based): chr2:120,927,407, C>G. VCF-style: chr2-120927407-C-G. GRCh37 (hg19) VCF-style: chr2-121684983-C-G.
Other names: c.195C>G, p.Asp65Glu (NM_001371271.1, NM_005270.5); c.-121-23836C>G (NM_001374354.1); short protein forms D65E.
Identifiers: ClinVar variation 2952573 (VCV002952573.3), dbSNP rs2467523903, ClinGen allele CA348160762.
Genomic context (GRCh38, chr2:120,927,407, plus strand): 5'-CTCCCCCTCTGCAGTGCCGCAGCATCTCTTGCCACCATTCCATGCGCCCCTACCGATTGA[C>G]ATGCGACACCAGGAAGGAAGGTACCATTACGAGCCTCATTCTGTCCACGGTGTGCACGGG-3'
Protein context (NP_001361282.1, residues 55-75): LPPFHAPLPI[Asp65Glu]MRHQEGRYHY